The following is an entry in ClinVar:

ClinVar aggregate classification (germline): Uncertain significance (1 of 4 stars; one submission).

Conditions:
Hereditary cancer-predisposing syndrome. Also called: Tumor predisposition; Hereditary Cancer Syndrome; Hereditary neoplastic syndrome; Neoplastic Syndromes, Hereditary. Identifiers: Orphanet 140162, MedGen C0027672, MeSH D009386, MONDO:0015356.

Submission:

Ambry Genetics
Classification: Uncertain significance for Hereditary cancer-predisposing syndrome. Last evaluated: 2026-02-03. Review status: criteria provided, single submitter. Criteria: Ambry Variant Classification Scheme 2023. Collection method: clinical testing. Allele origin: germline.
Comment: The p.G504E variant (also known as c.1511G>A), located in coding exon 11 of the SDHA gene, results from a G to A substitution at nucleotide position 1511. The glycine at codon 504 is replaced by glutamic acid, an amino acid with similar properties. This amino acid position is highly conserved in available vertebrate species. In addition, this alteration is predicted to be deleterious by in silico analysis. Based on the available evidence, the clinical significance of this variant remains unclear.

NM_004168.4(SDHA):c.1511G>A (p.Gly504Glu)

Gene: SDHA (succinate dehydrogenase complex flavoprotein subunit A; plus strand). Cytogenetic location: 5p15.33.
Variant type: single nucleotide variant.
Coding change: c.1511G>A on transcript NM_004168.4 (MANE Select); coding-DNA position 1511, G replaced by A.
Protein change: p.Gly504Glu; replaces glycine 504 with glutamic acid.
Molecular consequence: missense variant.
Genome position (GRCh38, 1-based): chr5:240,436, G>A. VCF-style: chr5-240436-G-A. GRCh37 (hg19) VCF-style: chr5-240551-G-A.
Other names: c.1367G>A, p.Gly456Glu (NM_001294332.2); c.1511G>A, p.Gly504Glu (NM_001330758.2); short protein forms G456E, G504E.
Identifiers: ClinVar variation 1774219 (VCV001774219.3), dbSNP rs2477398260, ClinGen allele CA359014329.
Genomic context (GRCh38, chr5:240,436, plus strand): 5'-TTAAACCAAACGCTGGGGAAGAATCTGTCATGAATCTTGACAAATTGAGATTTGCTGATG[G>A]AAGCATAAGAACATCGGAACTGCGACTCAGCATGCAGAAGGTAAGAGCCTGGACTCGCTC-3'
Protein context (NP_004159.2, residues 494-514): MNLDKLRFAD[Gly504Glu]SIRTSELRLS